The following is an entry in ClinVar:

NM_001172509.2(SATB2):c.2121C>T (p.Ser707=)

Genes: SATB2 (SATB homeobox 2; minus strand), LOC126806462 (MED14-independent group 3 enhancer GRCh37_chr2:200136608-200137807; plus strand). Cytogenetic location: 2q33.1.
Variant type: single nucleotide variant.
Coding change: c.2121C>T on transcript NM_001172509.2 (MANE Select); coding-DNA position 2121, C replaced by T.
Protein change: p.Ser707=; no amino-acid change (serine 707 retained).
Molecular consequence: synonymous variant.
Genome position (GRCh38, 1-based): chr2:199,272,292, G>A on the plus strand (C>T on the coding strand, the complement: SATB2 is on the minus strand). VCF-style: chr2-199272292-G-A. GRCh37 (hg19) VCF-style: chr2-200137015-G-A.
Other names: c.2121C>T, p.Ser707= (NM_001172517.1, NM_015265.4).
Identifiers: ClinVar variation 469552 (VCV000469552.41), dbSNP rs141424911, ClinGen allele CA2045752.

ClinVar aggregate classification (germline): Benign/Likely benign. Review status: criteria provided, multiple submitters, no conflicts (2 of 4 stars). 4 submissions from 4 submitters: Benign (2); Likely benign (2). Last evaluated 2026-02-02.

Conditions:
Chromosome 2q32-q33 deletion syndrome (GLASS). Also called: Glass syndrome; 2q33.1 deletion syndrome. Identifiers: Orphanet 251019, MedGen C2676739, MONDO:0012864, OMIM 612313.
Inborn genetic diseases. Identifiers: MedGen C0950123, MeSH D030342.

Allele frequency attached by ClinVar (database versions not stated): 1000 Genomes Project 30x 0.00031; gnomAD exomes 0.00035; 1000 Genomes Project 0.00040; ESP Exome Variant Server 0.00062; gnomAD 0.00067; TOPMed 0.00084.
gnomAD v4.1: 613 of 1,614,076 alleles (0.038%); highest among the groups gnomAD compares: African/African-American, 0.21%; no homozygotes.

Submissions (4):

Labcorp Genetics (formerly Invitae), Labcorp
Classification: Benign for Chromosome 2q32-q33 deletion syndrome. Last evaluated: 2026-02-02. Review status: criteria provided, single submitter. Criteria: Invitae Variant Classification Sherloc (09022015). Collection method: clinical testing. Allele origin: germline.

CeGaT Center for Human Genetics Tuebingen
Classification: Likely benign. Last evaluated: 2025-12-01. Review status: criteria provided, single submitter. Criteria: CeGaT Center For Human Genetics Tuebingen Variant Classification Criteria Version 2. Collection method: clinical testing. Allele origin: germline. Affected: yes. Observed: 2 variant alleles.
Comment: SATB2: BP4, BP7

GeneDx
Classification: Benign. Last evaluated: 2019-03-08. Review status: criteria provided, single submitter. Criteria: GeneDx Variant Classification Process June 2021. Collection method: clinical testing. Allele origin: germline. Affected: yes.

Ambry Genetics
Classification: Likely benign for Inborn genetic diseases. Last evaluated: 2017-02-08. Review status: criteria provided, single submitter. Criteria: Ambry Variant Classification Scheme 2023. Collection method: clinical testing. Allele origin: germline.